The following is an entry in ClinVar:

ClinVar aggregate classification (germline): Uncertain significance (1 of 4 stars; one submission).

Conditions:
Hereditary cancer-predisposing syndrome. Also called: Hereditary Cancer Syndrome; Neoplastic Syndromes, Hereditary; Tumor predisposition; Hereditary neoplastic syndrome. Identifiers: Orphanet 140162, MedGen C0027672, MeSH D009386, MONDO:0015356.

Submission:

Ambry Genetics
Classification: Uncertain significance for Hereditary cancer-predisposing syndrome. Last evaluated: 2016-02-22. Review status: criteria provided, single submitter. Criteria: Ambry Autosomal Dominant and X-Linked criteria (10/2015). Collection method: clinical testing. Allele origin: germline. Observed: 1 variant allele.
Comment: The p.I2291L variant (also known as c.6871A>T), located in coding exon 46 of the NF1 gene, results from an A to T substitution at nucleotide position 6871. The isoleucine at codon 2291 is replaced by leucine, an amino acid with highly similar properties. This variant was not reported in population based cohorts in the following databases: Database of Single Nucleotide Polymorphisms (dbSNP), NHLBI Exome Sequencing Project (ESP), and 1000 Genomes Project. In the ESP, this variant was not observed in 6498 samples (12996 alleles) with coverage at this position. To date, this alteration has been detected with an allele frequency of approximately 0.001% (greater than 110000alleles tested) in our clinical cohort.This amino acid position is highly conserved in available vertebrate species. In addition, the in silico prediction for this alteration is inconclusive.Since supporting evidence is limited at this time, the clinical significance of this alterationremains unclear.

NM_001042492.3(NF1):c.6871A>T (p.Ile2291Leu)

Gene: NF1 (neurofibromin 1; plus strand). Cytogenetic location: 17q11.2.
Variant type: single nucleotide variant.
Coding change: c.6871A>T on transcript NM_001042492.3 (MANE Select); coding-DNA position 6871, A replaced by T.
Protein change: p.Ile2291Leu; replaces isoleucine 2291 with leucine.
Molecular consequence: missense variant.
Genome position (GRCh38, 1-based): chr17:31,338,755, A>T. VCF-style: chr17-31338755-A-T. GRCh37 (hg19) VCF-style: chr17-29665773-A-T.
Other names: c.6808A>T, p.Ile2270Leu (NM_000267.4); short protein forms I2270L, I2291L.
Identifiers: ClinVar variation 480099 (VCV000480099.3), dbSNP rs876659722, ClinGen allele CA399014352.